The following is an entry in ClinVar:

ClinVar aggregate classification (germline): Benign. Review status: criteria provided, multiple submitters, no conflicts (2 of 4 stars). 2 submissions from 2 submitters: Benign (2). Last evaluated 2018-06-18.

Allele frequency attached by ClinVar (database versions not stated): gnomAD exomes 0.35440; 1000 Genomes Project 0.40096; 1000 Genomes Project 30x 0.40350; gnomAD 0.43516 and 0.44647; TOPMed 0.43617.
gnomAD v4.1: 523,650 of 1,442,582 alleles (36%); highest among the groups gnomAD compares: African/African-American, 66%; 100,628 homozygotes.

Submissions (2):

GeneDx
Classification: Benign. Last evaluated: 2018-06-18. Review status: criteria provided, single submitter. Criteria: GeneDx Variant Classification (06012015). Collection method: clinical testing. Allele origin: germline. Affected: yes.
Comment: This variant is considered likely benign or benign based on one or more of the following criteria: it is a conservative change, it occurs at a poorly conserved position in the protein, it is predicted to be benign by multiple in silico algorithms, and/or has population frequency not consistent with disease.

Breakthrough Genomics
Classification: Benign. Review status: criteria provided, single submitter. Criteria: ACMG Guidelines, 2015. Collection method: not provided. Allele origin: germline. Inheritance: Autosomal dominant inheritance. Affected: yes.

NM_000264.5(PTCH1):c.1348-136C>T

Gene: PTCH1 (patched 1; minus strand). Cytogenetic location: 9q22.32.
Variant type: single nucleotide variant.
Coding change: c.1348-136C>T on transcript NM_000264.5 (MANE Select); 136 bases into the intron before coding-DNA position 1348, C replaced by T.
Molecular consequence: intron variant.
Genome position (GRCh38, 1-based): chr9:95,477,838, G>A on the plus strand (C>T on the coding strand, the complement: PTCH1 is on the minus strand). VCF-style: chr9-95477838-G-A. GRCh37 (hg19) VCF-style: chr9-98240120-G-A.
Other names: c.1345-136C>T (NM_001083603.3); c.1150-136C>T (NM_001083602.3); c.1347+217C>T (NM_001354918.2); c.895-136C>T (NM_001083605.3, NM_001083604.3, NM_001083606.3 and 1 more transcripts).
Identifiers: ClinVar variation 677044 (VCV000677044.2), dbSNP rs2297086, ClinGen allele CA12993887.